The following is an entry in ClinVar:

ClinVar aggregate classification (germline): Pathogenic (1 of 4 stars; one submission).

Conditions:
Neuromuscular disease caused by qualitative or quantitative defects of dysferlin. Also called: Dysferlinopathy; Qualitative or quantitative defects of dysferlin. Identifiers: Orphanet 207073, MedGen C2931687, MONDO:0016145.

Submission:

Labcorp Genetics (formerly Invitae), Labcorp
Classification: Pathogenic for Neuromuscular disease caused by qualitative or quantitative defects of dysferlin. Last evaluated: 2023-03-17. Review status: criteria provided, single submitter. Criteria: Invitae Variant Classification Sherloc (09022015). Collection method: clinical testing. Allele origin: germline.
Comment: This variant is not present in population databases (gnomAD no frequency). This sequence change creates a premature translational stop signal (p.Tyr526*) in the DYSF gene. It is expected to result in an absent or disrupted protein product. Loss-of-function variants in DYSF are known to be pathogenic (PMID: 17698709, 20301480). This variant has not been reported in the literature in individuals affected with DYSF-related conditions. For these reasons, this variant has been classified as Pathogenic.

Literature cited by the submitters: PubMed 17698709; PubMed 20301480.

NM_001130987.2(DYSF):c.1632del (p.Leu543_Tyr544insTer)

Gene: DYSF (dysferlin; plus strand). Cytogenetic location: 2p13.2.
Variant type: Deletion.
Coding change: c.1632del on transcript NM_001130987.2 (MANE Select); coding-DNA position 1632, one base deleted (T; older notation c.1632delT).
Protein change: p.Leu543_Tyr544insTer.
Molecular consequence: nonsense.
Genome position (GRCh38, 1-based): chr2:71,551,096, T deleted. VCF-style (leftmost placement, unchanged base first): chr2-71551095-AT-A. GRCh37 (hg19) VCF-style: chr2-71778225-AT-A.
Other names: c.1581del, p.Leu526_Tyr527insTer (NM_001130455.2, NM_001130983.2); c.1536del, p.Leu511_Tyr512insTer (NM_001130976.2, NM_001130977.2); c.1578del, p.Leu525_Tyr526insTer (NM_001130978.2, NM_003494.4); c.1671del, p.Leu556_Tyr557insTer (NM_001130979.2); c.1629del, p.Leu542_Tyr543insTer (NM_001130980.2, NM_001130981.2); c.1674del, p.Leu557_Tyr558insTer (NM_001130982.2); c.1539del, p.Leu512_Tyr513insTer (NM_001130984.2, NM_001130986.2); c.1632del, p.Leu543_Tyr544insTer (NM_001130985.2).
Identifiers: ClinVar variation 2846426 (VCV002846426.3), dbSNP rs2545668712, ClinGen allele CA2739272994.